The following is an entry in ClinVar:

NM_000051.4(ATM):c.3907A>G (p.Thr1303Ala)

Gene: ATM (ATM serine/threonine kinase; plus strand). Cytogenetic location: 11q22.3.
Variant type: single nucleotide variant.
Coding change: c.3907A>G on transcript NM_000051.4 (MANE Select); coding-DNA position 3907, A replaced by G.
Protein change: p.Thr1303Ala; replaces threonine 1303 with alanine.
Molecular consequence: missense variant.
Genome position (GRCh38, 1-based): chr11:108,284,387, A>G. VCF-style: chr11-108284387-A-G. GRCh37 (hg19) VCF-style: chr11-108155114-A-G.
Other names: c.3907A>G, p.Thr1303Ala (NM_001351834.2); short protein forms T1303A.
Identifiers: ClinVar variation 407661 (VCV000407661.22), dbSNP rs1060501662, ClinGen allele CA16613413.

ClinVar aggregate classification (germline): Uncertain significance. Review status: criteria provided, multiple submitters, no conflicts (2 of 4 stars). 5 submissions from 5 submitters: Uncertain significance (4). 1 of the submissions does not count toward it. Last evaluated 2025-05-26.

Conditions:
Hereditary cancer-predisposing syndrome. Also called: Hereditary neoplastic syndrome; Neoplastic Syndromes, Hereditary; Tumor predisposition; Hereditary Cancer Syndrome. Identifiers: Orphanet 140162, MedGen C0027672, MeSH D009386, MONDO:0015356.
Ataxia-telangiectasia syndrome (AT). Also called: Ataxia telangiectasia (A-T); LOUIS-BAR SYNDROME; Cerebello-oculocutaneous telangiectasia; Immunodeficiency with ataxia telangiectasia; Ataxia-telangiectasia, complementation group D; AT, COMPLEMENTATION GROUP C. Identifiers: Orphanet 100, MedGen C0004135, MONDO:0008840, OMIM 208900.

Allele frequency attached by ClinVar (database versions not stated): gnomAD exomes below 0.00001.
gnomAD v4.1: 6 of 1,613,986 alleles (0.00037%); highest among the groups gnomAD compares: Non-Finnish European, 0.00051%; no homozygotes.

Submissions (5):

Labcorp Genetics (formerly Invitae), Labcorp
Classification: Uncertain significance for Ataxia-telangiectasia syndrome. Last evaluated: 2025-05-26. Review status: criteria provided, single submitter. Criteria: Invitae Variant Classification Sherloc (09022015). Collection method: clinical testing. Allele origin: germline.
Comment: This sequence change replaces threonine, which is neutral and polar, with alanine, which is neutral and non-polar, at codon 1303 of the ATM protein (p.Thr1303Ala). This variant is not present in population databases (gnomAD no frequency). This variant has not been reported in the literature in individuals affected with ATM-related conditions. ClinVar contains an entry for this variant (Variation ID: 407661). Invitae Evidence Modeling of protein sequence and biophysical properties (such as structural, functional, and spatial information, amino acid conservation, physicochemical variation, residue mobility, and thermodynamic stability) indicates that this missense variant is not expected to disrupt ATM protein function with a negative predictive value of 95%. In summary, the available evidence is currently insufficient to determine the role of this variant in disease. Therefore, it has been classified as a Variant of Uncertain Significance.

GeneDx
Classification: Uncertain significance. Last evaluated: 2025-05-20. Review status: criteria provided, single submitter. Criteria: GeneDx Variant Classification Process June 2021. Collection method: clinical testing. Allele origin: germline. Affected: yes.
Comment: Not observed at significant frequency in large population cohorts (gnomAD); In silico analysis suggests that this missense variant does not alter protein structure/function; Has not been previously published as pathogenic or benign to our knowledge

Color Diagnostics, LLC DBA Color Health
Classification: Uncertain significance for Hereditary cancer-predisposing syndrome. Last evaluated: 2024-03-06. Review status: criteria provided, single submitter. Criteria: ACMG Guidelines, 2015. Collection method: clinical testing. Allele origin: germline.
Comment: This missense variant replaces threonine with alanine at codon 1303 of the ATM protein. Computational prediction suggests that this variant may not impact protein structure and function (internally defined REVEL score threshold <= 0.5, PMID: 27666373). Splice site prediction tools suggest that this variant may not impact RNA splicing. To our knowledge, functional studies have not been performed for this variant. This variant has not been reported in individuals affected with hereditary cancer in the literature. This variant has not been identified in the general population by the Genome Aggregation Database (gnomAD). The available evidence is insufficient to determine the role of this variant in disease conclusively. Therefore, this variant is classified as a Variant of Uncertain Significance.

Ambry Genetics
Classification: Uncertain significance for Hereditary cancer-predisposing syndrome. Last evaluated: 2023-11-24. Review status: criteria provided, single submitter. Criteria: Ambry Variant Classification Scheme 2023. Collection method: clinical testing. Allele origin: germline.
Comment: The p.T1303A variant (also known as c.3907A>G), located in coding exon 25 of the ATM gene, results from an A to G substitution at nucleotide position 3907. The threonine at codon 1303 is replaced by alanine, an amino acid with similar properties. This amino acid position is not well conserved in available vertebrate species. In addition, this alteration is predicted to be tolerated by in silico analysis. Since supporting evidence is limited at this time, the clinical significance of this alteration remains unclear.

Natera, Inc.
Classification: Uncertain significance for Ataxia-telangiectasia. Last evaluated: 2021-03-22. Review status: no assertion criteria provided. Collection method: clinical testing. Allele origin: germline. Not counted in ClinVar's aggregate classification.